The following is an entry in ClinVar:

ClinVar aggregate classification (germline): Pathogenic/Likely pathogenic. Review status: criteria provided, multiple submitters, no conflicts (2 of 4 stars). 3 submissions from 3 submitters: Pathogenic (2); Likely pathogenic (1). Last evaluated 2024-12-04.

Conditions:
Familial cancer of breast. Also called: Hereditary breast cancer; BREAST CANCER, FAMILIAL; hereditary breast carcinoma. Identifiers: Orphanet 227535, MedGen C0346153, MONDO:0016419, OMIM 114480. Disease mechanism: loss of function.
Ataxia-telangiectasia syndrome (AT). Also called: AT, COMPLEMENTATION GROUP C; Ataxia telangiectasia (A-T); Cerebello-oculocutaneous telangiectasia; Immunodeficiency with ataxia telangiectasia; LOUIS-BAR SYNDROME; Ataxia-telangiectasia. Identifiers: Orphanet 100, MedGen C0004135, MONDO:0008840, OMIM 208900.
Hereditary cancer-predisposing syndrome. Also called: Hereditary neoplastic syndrome; Tumor predisposition; Neoplastic Syndromes, Hereditary; Hereditary Cancer Syndrome. Identifiers: Orphanet 140162, MedGen C0027672, MeSH D009386, MONDO:0015356.

Submissions (3):

Labcorp Genetics (formerly Invitae), Labcorp
Classification: Pathogenic for Ataxia-telangiectasia syndrome. Last evaluated: 2024-12-04. Review status: criteria provided, single submitter. Criteria: Invitae Variant Classification Sherloc (09022015). Collection method: clinical testing. Allele origin: germline.
Comment: This sequence change creates a premature translational stop signal (p.Tyr1229*) in the ATM gene. It is expected to result in an absent or disrupted protein product. Loss-of-function variants in ATM are known to be pathogenic (PMID: 23807571, 25614872). This variant is not present in population databases (gnomAD no frequency). This premature translational stop signal has been observed in individual(s) with colorectal cancer (PMID: 37323311). ClinVar contains an entry for this variant (Variation ID: 961263). For these reasons, this variant has been classified as Pathogenic.

Baylor Genetics
Classification: Likely pathogenic for Familial cancer of breast. Last evaluated: 2023-12-05. Review status: criteria provided, single submitter. Criteria: ACMG Guidelines, 2015. Collection method: clinical testing. Allele origin: unknown.

Ambry Genetics
Classification: Pathogenic for Hereditary cancer-predisposing syndrome. Last evaluated: 2023-08-24. Review status: criteria provided, single submitter. Criteria: Ambry Variant Classification Scheme 2023. Collection method: clinical testing. Allele origin: germline.
Comment: The p.Y1229* variant (also known as c.3687C>A), located in coding exon 24 of the ATM gene, results from a C to A substitution at nucleotide position 3687. This changes the amino acid from a tyrosine to a stop codon within coding exon 24. This variant is considered to be rare based on population cohorts in the Genome Aggregation Database (gnomAD). This alteration is expected to result in loss of function by premature protein truncation or nonsense-mediated mRNA decay. As such, this alteration is interpreted as a disease-causing mutation.

Literature cited by the submitters: PubMed 23807571 (cited by Labcorp Genetics (formerly Invitae), Labcorp); PubMed 25614872 (cited by Labcorp Genetics (formerly Invitae), Labcorp); PubMed 37323311 (cited by Labcorp Genetics (formerly Invitae), Labcorp).

NM_000051.4(ATM):c.3687C>A (p.Tyr1229Ter)

Gene: ATM (ATM serine/threonine kinase; plus strand). Cytogenetic location: 11q22.3.
Variant type: single nucleotide variant.
Coding change: c.3687C>A on transcript NM_000051.4 (MANE Select); coding-DNA position 3687, C replaced by A.
Protein change: p.Tyr1229Ter; replaces tyrosine 1229 with a stop codon.
Molecular consequence: nonsense.
Genome position (GRCh38, 1-based): chr11:108,282,820, C>A. VCF-style: chr11-108282820-C-A. GRCh37 (hg19) VCF-style: chr11-108153547-C-A.
Other names: c.3687C>A, p.Tyr1229Ter (NM_001351834.2); short protein forms Y1229*.
Identifiers: ClinVar variation 961263 (VCV000961263.10), dbSNP rs2082303743, ClinGen allele CA382523428.